The following is an entry in ClinVar:

ClinVar aggregate classification (germline): Uncertain significance (1 of 4 stars; one submission).

Conditions:
Cardiovascular phenotype. Identifiers: MedGen CN230736.

Submission:

Ambry Genetics
Classification: Uncertain significance for Cardiovascular phenotype. Last evaluated: 2025-07-03. Review status: criteria provided, single submitter. Criteria: Ambry Variant Classification Scheme 2023. Collection method: clinical testing. Allele origin: germline.
Comment: The p.K1172N variant (also known as c.3516G>T), located in coding exon 26 of the JAG1 gene, results from a G to T substitution at nucleotide position 3516. The lysine at codon 1172 is replaced by asparagine, an amino acid with similar properties. This amino acid position is conserved. In addition, this alteration is predicted to be tolerated by in silico analysis. Based on the available evidence, the clinical significance of this variant remains unclear.

NM_000214.3(JAG1):c.3516G>T (p.Lys1172Asn)

Gene: JAG1 (jagged canonical Notch ligand 1; minus strand). Cytogenetic location: 20p12.2.
Variant type: single nucleotide variant.
Coding change: c.3516G>T on transcript NM_000214.3 (MANE Select); coding-DNA position 3516, G replaced by T.
Protein change: p.Lys1172Asn; replaces lysine 1172 with asparagine.
Molecular consequence: missense variant.
Genome position (GRCh38, 1-based): chr20:10,639,639, C>A on the plus strand (G>T on the coding strand, the complement: JAG1 is on the minus strand). VCF-style: chr20-10639639-C-A. GRCh37 (hg19) VCF-style: chr20-10620287-C-A.
Other names: short protein forms K1172N.
Identifiers: ClinVar variation 4089126 (VCV004089126.1).